The following is an entry in ClinVar:

ClinVar aggregate classification (germline): Uncertain significance. Review status: criteria provided, multiple submitters, no conflicts (2 of 4 stars). 2 submissions from 2 submitters: Uncertain significance (2). Last evaluated 2025-08-04.

Conditions:
Inborn genetic diseases. Identifiers: MedGen C0950123, MeSH D030342.

Allele frequency attached by ClinVar (database versions not stated): TOPMed 0.00003; gnomAD 0.00005.
gnomAD v4.1: 19 of 1,597,880 alleles (0.0012%); highest among the groups gnomAD compares: Middle Eastern, 0.033%; no homozygotes.

Submissions (2):

Labcorp Genetics (formerly Invitae), Labcorp
Classification: Uncertain significance. Last evaluated: 2025-08-04. Review status: criteria provided, single submitter. Criteria: Invitae Variant Classification Sherloc (09022015). Collection method: clinical testing. Allele origin: germline.
Comment: This sequence change replaces serine, which is neutral and polar, with asparagine, which is neutral and polar, at codon 1990 of the CIT protein (p.Ser1990Asn). This variant is present in population databases (no rsID available, gnomAD 0.009%). This variant has not been reported in the literature in individuals affected with CIT-related conditions. ClinVar contains an entry for this variant (Variation ID: 2344100). An algorithm developed to predict the effect of missense changes on protein structure and function (PolyPhen-2) suggests that this variant is likely to be tolerated. In summary, the available evidence is currently insufficient to determine the role of this variant in disease. Therefore, it has been classified as a Variant of Uncertain Significance.

Ambry Genetics
Classification: Uncertain significance for Inborn genetic diseases. Last evaluated: 2022-11-18. Review status: criteria provided, single submitter. Criteria: Ambry Variant Classification Scheme 2023. Collection method: clinical testing. Allele origin: germline.

NM_001206999.2(CIT):c.5969G>A (p.Ser1990Asn)

Gene: CIT (citron rho-interacting serine/threonine kinase; minus strand). Cytogenetic location: 12q24.23.
Variant type: single nucleotide variant.
Coding change: c.5969G>A on transcript NM_001206999.2 (MANE Select); coding-DNA position 5969, G replaced by A.
Protein change: p.Ser1990Asn; replaces serine 1990 with asparagine.
Molecular consequence: missense variant.
Genome position (GRCh38, 1-based): chr12:119,690,368, C>T on the plus strand (G>A on the coding strand, the complement: CIT is on the minus strand). VCF-style: chr12-119690368-C-T. GRCh37 (hg19) VCF-style: chr12-120128173-C-T.
Other names: c.5843G>A, p.Ser1948Asn (NM_007174.3); short protein forms S1948N, S1990N.
Identifiers: ClinVar variation 2344100 (VCV002344100.3), dbSNP rs1285429909, ClinGen allele CA386522143.
Genomic context (GRCh38, chr12:119,690,368, plus strand): 5'-CTGCGCAGCTCGGTCCGCCCCTCGCGGTAGCGGTGGGGTGTGCTTGGCTCTCGCGGGTGG[C>T]TGGGGCCTTCGGGCGGCGCTGGGCTGGAGGCCACGCGCTTGGTGATGTGCTCGTTGTACG-3'
Protein context (NP_001193928.1, residues 1980-2000): ASSPAPPEGP[Ser1990Asn]HPREPSTPHR